The following is an entry in ClinVar:

NM_002055.5(GFAP):c.278A>C (p.Gln93Pro)

Gene: GFAP (glial fibrillary acidic protein; minus strand). Cytogenetic location: 17q21.31.
Variant type: single nucleotide variant.
Coding change: c.278A>C on transcript NM_002055.5 (MANE Select); coding-DNA position 278, A replaced by C.
Protein change: p.Gln93Pro; replaces glutamine 93 with proline.
Molecular consequence: missense variant.
Genome position (GRCh38, 1-based): chr17:44,915,209, T>G on the plus strand (A>C on the coding strand, the complement: GFAP is on the minus strand). VCF-style: chr17-44915209-T-G. GRCh37 (hg19) VCF-style: chr17-42992577-T-G.
Other names: NM_002055.5(GFAP):c.278A>C; c.278A>C, p.Gln93Pro (NM_001131019.3, NM_001242376.3, NM_001363846.2); short protein forms Q93P.
Identifiers: ClinVar variation 190340 (VCV000190340.4), dbSNP rs797044574, ClinGen allele CA347193.

ClinVar aggregate classification (germline): Likely pathogenic. Review status: reviewed by expert panel (3 of 4 stars). 2 submissions from 2 submitters: Likely pathogenic (1). 1 of the submissions does not count toward it. Last evaluated 2026-09-14.

Conditions:
Alexander disease (ALXDRD). Also called: Alexander's disease. Identifiers: Orphanet 58, MedGen C0270726, MONDO:0008752, OMIM 203450.

Submissions (2):

ClinGen Leukodystrophy and Leukoencephalopathy Variant Curation Expert Panel, ClinGen
Classification: Likely pathogenic for Alexander disease. Last evaluated: 2026-09-14. Review status: reviewed by expert panel. Criteria: ClinGen Leuko ACMG Specifications GFAP V1.0. Collection method: curation. Allele origin: germline. Inheritance: Autosomal dominant inheritance.
Comment: The c.278A>C variant in GFAP is a missense variant predicted to cause substitution of glutamine by proline at amino acid 93 (p.Gln93Pro). This variant has been identified as a de novo occurrence with unconfirmed parental relationships in one individual with a definite diagnosis of Alexander Disease per ClinGen Leukodystrophy and Leukoencephalopathy Expert Panel Specifications to the ACMG/AMP Variant Interpretation Guidelines for GFAP Version 1.0.0 who had elevated GFAP levels in CSF when compared to age-matched controls which is highly specific for Alexander disease (PM6, PP4_strong; PMID: 16217707). This variant is absent from gnomAD v4.1.1 (PM2_Supporting). In summary, this variant meets the criteria to be classified as likely pathogenic for Alexander disease based on the ACMG/AMP criteria applied, as specified by the ClinGen Leukodystrophy and Leukoencephalopathy Expert Panel: PM6, PM2_supporting, PP4_strong (ClinGen Leukodystrophy and Leukoencephalopathy VCEP Specifications Version 1.0.0).

GeneReviews
No classification provided. Condition: Alexander disease. Review status: no classification provided. Collection method: literature only. Allele origin: germline. Affected: yes. Not counted in ClinVar's aggregate classification.

Literature cited by the submitters: PubMed 16217707 (cited by GeneReviews); NCBI Bookshelf NBK1172 (cited by GeneReviews).